The following is an entry in ClinVar:

NM_001042492.3(NF1):c.70A>T (p.Lys24Ter)

Gene: NF1 (neurofibromin 1; plus strand). Cytogenetic location: 17q11.2.
Variant type: single nucleotide variant.
Coding change: c.70A>T on transcript NM_001042492.3 (MANE Select); coding-DNA position 70, A replaced by T.
Protein change: p.Lys24Ter; replaces lysine 24 with a stop codon.
Molecular consequence: nonsense.
Genome position (GRCh38, 1-based): chr17:31,155,992, A>T. VCF-style: chr17-31155992-A-T. GRCh37 (hg19) VCF-style: chr17-29483010-A-T.
Other names: c.70A>T, p.Lys24Ter (NM_000267.4, NM_001128147.3); short protein forms K24*.
Identifiers: ClinVar variation 1385992 (VCV001385992.6), dbSNP rs2143625250, ClinGen allele CA398988072.

ClinVar aggregate classification (germline): Pathogenic (1 of 4 stars; one submission).

Conditions:
Neurofibromatosis, type 1 (NF1). Also called: VON RECKLINGHAUSEN DISEASE; Peripheral type neurofibromatosis; Neurofibromatosis, type I; NEUROFIBROMATOSIS, TYPE I, SOMATIC. Identifiers: Orphanet 636, MedGen C0027831, MONDO:0018975, OMIM 162200. Disease mechanism: loss of function.

Submission:

Labcorp Genetics (formerly Invitae), Labcorp
Classification: Pathogenic for Neurofibromatosis, type 1. Last evaluated: 2022-10-30. Review status: criteria provided, single submitter. Criteria: Invitae Variant Classification Sherloc (09022015). Collection method: clinical testing. Allele origin: germline.
Comment: This sequence change creates a premature translational stop signal (p.Lys24*) in the NF1 gene. It is expected to result in an absent or disrupted protein product. Loss-of-function variants in NF1 are known to be pathogenic (PMID: 10712197, 23913538). This variant is not present in population databases (gnomAD no frequency). This variant has not been reported in the literature in individuals affected with NF1-related conditions. ClinVar contains an entry for this variant (Variation ID: 1385992). For these reasons, this variant has been classified as Pathogenic.

Literature cited by the submitters: PubMed 10712197; PubMed 23913538.